The following is an entry in ClinVar:

ClinVar aggregate classification (germline): Uncertain significance (1 of 4 stars; one submission).

Allele frequency attached by ClinVar (database versions not stated): gnomAD 0.00001; TOPMed 0.00002; gnomAD exomes 0.00003.
gnomAD v4.1: 50 of 1,613,104 alleles (0.0031%); highest among the groups gnomAD compares: South Asian, 0.0044%; no homozygotes.

Submission:

Ambry Genetics
Classification: Uncertain significance. Last evaluated: 2024-03-30. Review status: criteria provided, single submitter. Criteria: Ambry Variant Classification Scheme 2023. Collection method: clinical testing. Allele origin: germline.
Comment: The p.R1022Q variant (also known as c.3065G>A), located in coding exon 18 of the PKP4 gene, results from a G to A substitution at nucleotide position 3065. The arginine at codon 1022 is replaced by glutamine, an amino acid with highly similar properties. This amino acid position is conserved. In addition, the in silico prediction for this alteration is inconclusive. Since supporting evidence is limited at this time, the clinical significance of this alteration remains unclear.

NM_003628.6(PKP4):c.3065G>A (p.Arg1022Gln)

Genes: PKP4 (plakophilin 4; plus strand), PKP4-AS1 (PKP4 antisense RNA 1; minus strand). Cytogenetic location: 2q24.1.
Variant type: single nucleotide variant.
Coding change: c.3065G>A on transcript NM_003628.6 (MANE Select); coding-DNA position 3065, G replaced by A.
Protein change: p.Arg1022Gln; replaces arginine 1022 with glutamine.
Molecular consequence: missense variant.
Genome position (GRCh38, 1-based): chr2:158,673,938, G>A. VCF-style: chr2-158673938-G-A. GRCh37 (hg19) VCF-style: chr2-159530450-G-A.
Other names: c.3065G>A, p.Arg1022Gln (NM_001005476.4, NM_001377218.1, NM_001377225.1); c.3062G>A, p.Arg1021Gln (NM_001304969.3, NM_001377219.1, NM_001377220.1 and 2 more transcripts); c.2036G>A, p.Arg679Gln (NM_001304970.3); c.3059G>A, p.Arg1020Gln (NM_001377222.1, NM_001377223.1); c.3056G>A, p.Arg1019Gln (NM_001377224.1); short protein forms R679Q, R1019Q, R1020Q, R1021Q, R1022Q.
Identifiers: ClinVar variation 1799420 (VCV001799420.3), dbSNP rs1240412275, ClinGen allele CA348906968.